The following is an entry in ClinVar:

ClinVar aggregate classification (germline): Uncertain significance. Review status: criteria provided, multiple submitters, no conflicts (2 of 4 stars). 4 submissions from 4 submitters: Uncertain significance (3). 1 of the submissions does not count toward it. Last evaluated 2024-11-06.

Conditions:
Hereditary cancer-predisposing syndrome. Also called: Hereditary Cancer Syndrome; Neoplastic Syndromes, Hereditary; Tumor predisposition; Hereditary neoplastic syndrome. Identifiers: Orphanet 140162, MedGen C0027672, MeSH D009386, MONDO:0015356.
Familial cancer of breast. Also called: Hereditary breast cancer; hereditary breast carcinoma; BREAST CANCER, FAMILIAL. Identifiers: Orphanet 227535, MedGen C0346153, MONDO:0016419, OMIM 114480. Disease mechanism: loss of function.
Ataxia-telangiectasia syndrome (AT). Also called: Ataxia telangiectasia (A-T); Ataxia-telangiectasia, complementation group E; LOUIS-BAR SYNDROME; Cerebello-oculocutaneous telangiectasia; Immunodeficiency with ataxia telangiectasia; Ataxia-telangiectasia, complementation group D. Identifiers: Orphanet 100, MedGen C0004135, MONDO:0008840, OMIM 208900.

Submissions (4):

Ambry Genetics
Classification: Uncertain significance for Hereditary cancer-predisposing syndrome. Last evaluated: 2024-11-06. Review status: criteria provided, single submitter. Criteria: Ambry Variant Classification Scheme 2023. Collection method: clinical testing. Allele origin: germline.
Comment: The p.L240R variant (also known as c.719T>G), located in coding exon 6 of the ATM gene, results from a T to G substitution at nucleotide position 719. The leucine at codon 240 is replaced by arginine, an amino acid with dissimilar properties. This alteration has been detected in a cohort of 122 patients who underwent multi-gene panel testing for hereditary cancer after having previously tested negative for mutations in BRCA1 and BRCA2 (Yadav S et al. Fam Cancer, 2017 Jul;16:319-328). This amino acid position is not well conserved in available vertebrate species. In addition, the in silico prediction for this alteration is inconclusive. Based on the available evidence, the clinical significance of this variant remains unclear.

Baylor Genetics
Classification: Uncertain significance for Familial cancer of breast. Last evaluated: 2023-06-30. Review status: criteria provided, single submitter. Criteria: ACMG Guidelines, 2015. Collection method: clinical testing. Allele origin: unknown.

Labcorp Genetics (formerly Invitae), Labcorp
Classification: Uncertain significance for Ataxia-telangiectasia syndrome. Last evaluated: 2021-11-10. Review status: criteria provided, single submitter. Criteria: Invitae Variant Classification Sherloc (09022015). Collection method: clinical testing. Allele origin: germline.
Comment: This sequence change replaces leucine, which is neutral and non-polar, with arginine, which is basic and polar, at codon 240 of the ATM protein (p.Leu240Arg). This variant is not present in population databases (gnomAD no frequency). This variant has not been reported in the literature in individuals affected with ATM-related conditions. ClinVar contains an entry for this variant (Variation ID: 230760). Advanced modeling of protein sequence and biophysical properties (such as structural, functional, and spatial information, amino acid conservation, physicochemical variation, residue mobility, and thermodynamic stability) performed at Invitae indicates that this missense variant is not expected to disrupt ATM protein function. In summary, the available evidence is currently insufficient to determine the role of this variant in disease. Therefore, it has been classified as a Variant of Uncertain Significance.

Natera, Inc.
Classification: Uncertain significance for Ataxia-telangiectasia. Last evaluated: 2020-12-22. Review status: no assertion criteria provided. Collection method: clinical testing. Allele origin: germline. Not counted in ClinVar's aggregate classification.

Literature cited by the submitters: PubMed 27878467 (cited by Ambry Genetics).

NM_000051.4(ATM):c.719T>G (p.Leu240Arg)

Gene: ATM (ATM serine/threonine kinase; plus strand). Cytogenetic location: 11q22.3.
Variant type: single nucleotide variant.
Coding change: c.719T>G on transcript NM_000051.4 (MANE Select); coding-DNA position 719, T replaced by G.
Protein change: p.Leu240Arg; replaces leucine 240 with arginine.
Molecular consequence: missense variant.
Genome position (GRCh38, 1-based): chr11:108,244,844, T>G. VCF-style: chr11-108244844-T-G. GRCh37 (hg19) VCF-style: chr11-108115571-T-G.
Other names: c.719T>G, p.Leu240Arg (NM_001351834.2); short protein forms L240R.
Identifiers: ClinVar variation 230760 (VCV000230760.16), dbSNP rs876658753, ClinGen allele CA10578973.